The following is an entry in ClinVar:

ClinVar aggregate classification (germline): Uncertain significance (1 of 4 stars; one submission).

Conditions:
Psoriasis 2. Identifiers: MedGen C1864497, MONDO:0011269, OMIM 602723.
Pityriasis rubra pilaris (PRP). Also called: Pityriasis rubra pilaris--familial type. Identifiers: Orphanet 2897, MedGen C0032027, MONDO:0100017, OMIM 173200, MONDO:0008251.

gnomAD v4.1: 2 of 1,572,846 alleles (0.00013%); highest among the groups gnomAD compares: South Asian, 0.0012%; no homozygotes.

Submission:

Labcorp Genetics (formerly Invitae), Labcorp
Classification: Uncertain significance for Pityriasis rubra pilaris; Psoriasis 2. Last evaluated: 2022-07-23. Review status: criteria provided, single submitter. Criteria: Invitae Variant Classification Sherloc (09022015). Collection method: clinical testing. Allele origin: germline.
Comment: In summary, the available evidence is currently insufficient to determine the role of this variant in disease. Therefore, it has been classified as a Variant of Uncertain Significance. Algorithms developed to predict the effect of missense changes on protein structure and function (SIFT, PolyPhen-2, Align-GVGD) all suggest that this variant is likely to be tolerated. This variant has not been reported in the literature in individuals affected with CARD14-related conditions. The frequency data for this variant in the population databases is considered unreliable, as metrics indicate poor data quality at this position in the gnomAD database. This sequence change replaces glycine, which is neutral and non-polar, with glutamic acid, which is acidic and polar, at codon 877 of the CARD14 protein (p.Gly877Glu).

NM_001366385.1(CARD14):c.2630G>A (p.Gly877Glu)

Genes: SGSH (N-sulfoglucosamine sulfohydrolase; minus strand), CARD14 (caspase recruitment domain family member 14; plus strand), LOC126862662 (MED14-independent group 3 enhancer GRCh37_chr17:78178385-78179584; plus strand). Cytogenetic location: 17q25.3.
Variant type: single nucleotide variant.
Coding change: c.2630G>A on transcript NM_001366385.1 (MANE Select); coding-DNA position 2630, G replaced by A.
Protein change: p.Gly877Glu; replaces glycine 877 with glutamic acid.
Molecular consequence: missense variant. On other transcripts: non-coding transcript variant (1).
Genome position (GRCh38, 1-based): chr17:80,205,591, G>A. VCF-style: chr17-80205591-G-A. GRCh37 (hg19) VCF-style: chr17-78179390-G-A.
Other names: c.2630G>A, p.Gly877Glu (NM_024110.4); short protein forms G877E.
Identifiers: ClinVar variation 2113326 (VCV002113326.4), dbSNP rs1328714675, ClinGen allele CA401356374.